The following is an entry in ClinVar:

NM_003504.5(CDC45):c.509G>A (p.Arg170Gln)

Gene: CDC45 (cell division cycle 45; plus strand). Cytogenetic location: 22q11.21.
Variant type: single nucleotide variant.
Coding change: c.509G>A on transcript NM_003504.5 (MANE Select); coding-DNA position 509, G replaced by A.
Protein change: p.Arg170Gln; replaces arginine 170 with glutamine.
Molecular consequence: missense variant. On other transcripts: non-coding transcript variant (1).
Genome position (GRCh38, 1-based): chr22:19,494,349, G>A. VCF-style: chr22-19494349-G-A. GRCh37 (hg19) VCF-style: chr22-19481872-G-A.
Other names: c.509G>A, p.Arg170Gln (NM_001178010.2); c.371G>A, p.Arg124Gln (NM_001178011.2); c.473G>A, p.Arg158Gln (NM_001369291.1); short protein forms R158Q, R170Q, R124Q.
Identifiers: ClinVar variation 1473109 (VCV001473109.5), dbSNP rs202209270, ClinGen allele CA10101073.

ClinVar aggregate classification (germline): Uncertain significance (1 of 4 stars; one submission).

Allele frequency attached by ClinVar (database versions not stated): gnomAD 0.00004; TOPMed 0.00005; ExAC 0.00008.
gnomAD v4.1: 103 of 1,612,998 alleles (0.0064%); highest among the groups gnomAD compares: East Asian, 0.02%; no homozygotes.

Submission:

Labcorp Genetics (formerly Invitae), Labcorp
Classification: Uncertain significance. Last evaluated: 2023-11-15. Review status: criteria provided, single submitter. Criteria: Invitae Variant Classification Sherloc (09022015). Collection method: clinical testing. Allele origin: germline.
Comment: This sequence change replaces arginine, which is basic and polar, with glutamine, which is neutral and polar, at codon 170 of the CDC45 protein (p.Arg170Gln). This variant is present in population databases (rs202209270, gnomAD 0.06%). This variant has not been reported in the literature in individuals affected with CDC45-related conditions. ClinVar contains an entry for this variant (Variation ID: 1473109). An algorithm developed to predict the effect of missense changes on protein structure and function (PolyPhen-2) suggests that this variant¬†is likely to be tolerated. In summary, the available evidence is currently insufficient to determine the role of this variant in disease. Therefore, it has been classified as a Variant of Uncertain Significance.